The following is an entry in ClinVar:

ClinVar aggregate classification (germline): Likely benign. Review status: criteria provided, multiple submitters, no conflicts (2 of 4 stars). 2 submissions from 2 submitters: Likely benign (2). Last evaluated 2025-01-16.

Allele frequency attached by ClinVar (database versions not stated): gnomAD 0.00002 and 0.00003; TOPMed 0.00003.
gnomAD v4.1: 44 of 1,610,912 alleles (0.0027%); highest among the groups gnomAD compares: East Asian, 0.042%; no homozygotes.

Submissions (2):

Mayo Clinic Laboratories, Mayo Clinic
Classification: Likely benign. Last evaluated: 2025-01-16. Review status: criteria provided, single submitter. Criteria: ACMG Guidelines, 2015. Collection method: clinical testing. Allele origin: germline. Observed: 1 variant allele.
Comment: BP4, BP7

Labcorp Genetics (formerly Invitae), Labcorp
Classification: Likely benign. Last evaluated: 2023-04-06. Review status: criteria provided, single submitter. Criteria: Invitae Variant Classification Sherloc (09022015). Collection method: clinical testing. Allele origin: germline.

NM_000175.5(GPI):c.1050G>A (p.Ala350=)

Gene: GPI (glucose-6-phosphate isomerase; plus strand). Cytogenetic location: 19q13.11.
Variant type: single nucleotide variant.
Coding change: c.1050G>A on transcript NM_000175.5 (MANE Select); coding-DNA position 1050, G replaced by A.
Protein change: p.Ala350=; no amino-acid change (alanine 350 retained).
Molecular consequence: synonymous variant.
Genome position (GRCh38, 1-based): chr19:34,394,054, G>A. VCF-style: chr19-34394054-G-A. GRCh37 (hg19) VCF-style: chr19-34884959-G-A.
Other names: p.Ala350=; c.1083G>A, p.Ala361= (NM_001184722.1); c.1167G>A, p.Ala389= (NM_001289789.1); c.966G>A, p.Ala322= (NM_001289790.3); c.1050G>A, p.Ala350= (NM_001329909.1, NM_001329910.1, NM_001329911.2).
Identifiers: ClinVar variation 792845 (VCV000792845.7), dbSNP rs780075559, ClinGen allele CA9367323.